The following is an entry in ClinVar:

NM_031844.3(HNRNPU):c.503C>A (p.Thr168Lys)

Gene: HNRNPU (heterogeneous nuclear ribonucleoprotein U; minus strand). Cytogenetic location: 1q44.
Variant type: single nucleotide variant.
Coding change: c.503C>A on transcript NM_031844.3 (MANE Select); coding-DNA position 503, C replaced by A.
Protein change: p.Thr168Lys; replaces threonine 168 with lysine.
Molecular consequence: missense variant.
Genome position (GRCh38, 1-based): chr1:244,863,805, G>T on the plus strand (C>A on the coding strand, the complement: HNRNPU is on the minus strand). VCF-style: chr1-244863805-G-T. GRCh37 (hg19) VCF-style: chr1-245027107-G-T.
Other names: c.503C>A, p.Thr168Lys (NM_004501.3); short protein forms T168K.
Identifiers: ClinVar variation 3906301 (VCV003906301.1).

ClinVar aggregate classification (germline): Uncertain significance (1 of 4 stars; one submission).

Submission:

GeneDx
Classification: Uncertain significance. Last evaluated: 2024-12-22. Review status: criteria provided, single submitter. Criteria: GeneDx Variant Classification Process June 2021. Collection method: clinical testing. Allele origin: germline. Affected: yes.
Comment: Not observed at significant frequency in large population cohorts (gnomAD); In silico analysis indicates that this missense variant does not alter protein structure/function; Has not been previously published as pathogenic or benign to our knowledge